The following is an entry in ClinVar:

ClinVar aggregate classification (germline): Uncertain significance (1 of 4 stars; one submission).

Allele frequency attached by ClinVar (database versions not stated): gnomAD exomes below 0.00001.
gnomAD v4.1: 2 of 1,613,938 alleles (0.00012%); highest among the groups gnomAD compares: South Asian, 0.0011%; no homozygotes.

Submission:

GeneDx
Classification: Uncertain significance. Last evaluated: 2019-08-22. Review status: criteria provided, single submitter. Criteria: GeneDx Variant Classification Process June 2021. Collection method: clinical testing. Allele origin: germline. Affected: yes.
Comment: Not observed in large population cohorts (Lek et al., 2016); In silico analysis, which includes protein predictors and evolutionary conservation, supports that this variant does not alter protein structure/function; Has not been previously published as pathogenic or benign to our knowledge

NM_001127644.2(GABRA1):c.1075G>C (p.Asp359His)

Gene: GABRA1 (gamma-aminobutyric acid type A receptor subunit alpha1; plus strand). Cytogenetic location: 5q34.
Variant type: single nucleotide variant.
Coding change: c.1075G>C on transcript NM_001127644.2 (MANE Select); coding-DNA position 1075, G replaced by C.
Protein change: p.Asp359His; replaces aspartic acid 359 with histidine.
Molecular consequence: missense variant.
Genome position (GRCh38, 1-based): chr5:161,897,126, G>C. VCF-style: chr5-161897126-G-C. GRCh37 (hg19) VCF-style: chr5-161324132-G-C.
Other names: c.1075G>C, p.Asp359His (NM_000806.5, NM_001127643.2, NM_001127645.2 and 1 more transcripts); short protein forms D359H.
Identifiers: ClinVar variation 1308156 (VCV001308156.2), dbSNP rs2113469368, ClinGen allele CA362180584.